The following is an entry in ClinVar:

NM_001378452.1(ITPR1):c.86C>A (p.Thr29Asn)

Gene: ITPR1 (inositol 1,4,5-trisphosphate receptor type 1; plus strand). Cytogenetic location: 3p26.1.
Variant type: single nucleotide variant.
Coding change: c.86C>A on transcript NM_001378452.1 (MANE Select); coding-DNA position 86, C replaced by A.
Protein change: p.Thr29Asn; replaces threonine 29 with asparagine.
Molecular consequence: missense variant.
Genome position (GRCh38, 1-based): chr3:4,516,577, C>A. VCF-style: chr3-4516577-C-A. GRCh37 (hg19) VCF-style: chr3-4558261-C-A.
Other names: c.86C>A, p.Thr29Asn (NM_001099952.4, NM_001168272.2, NM_002222.7); short protein forms T29N.
Identifiers: ClinVar variation 4882192 (VCV004882192.2).
Genomic context (GRCh38, chr3:4,516,577, plus strand): 5'-TACATATTGGAGACATTTGTTCTCTGTACGCGGAGGGATCGACAAATGGATTTATTAGCA[C>A]CTTGGGGTAAGAGCATGCAATTTCTTGTGTGGCACGGTTTGTTTAAGACATCATAACATC-3'
Protein context (NP_001365381.1, residues 19-39): AEGSTNGFIS[Thr29Asn]LGLVDDRCVV

ClinVar aggregate classification (germline): Uncertain significance (1 of 4 stars; one submission).

Conditions:
Gillespie syndrome (GLSP). Also called: Aniridia, cerebellar ataxia, and mental deficiency; Aniridia-cerebellar ataxia-intellectual disability syndrome. Identifiers: Orphanet 1065, MedGen C0431401, MONDO:0008795, OMIM 206700.

Submission:

Dasa
Classification: Uncertain significance for aniridia-cerebellar ataxia-intellectual disability syndrome. Last evaluated: 2025-11-25. Review status: criteria provided, single submitter. Criteria: DASA Assertion Criteria. Collection method: clinical testing. Allele origin: germline.
Comment: NM_001378452.1(ITPR1):c.86C>A (p.Thr29Asn) is a missense variant that results in the substitution of threonine with asparagine. This variant is absent from population databases. Computational prediction algorithms are consistent with a deleterious effect. The currently available literature and clinical evidence are not sufficient to establish a definitive association between this variant and the reported condition. Therefore, this variant is classified as a variant of uncertain significance.